The following is an entry in ClinVar:

ClinVar aggregate classification (germline): Uncertain significance (1 of 4 stars; one submission).

Allele frequency attached by ClinVar (database versions not stated): TOPMed below 0.00001; gnomAD exomes 0.00001.
gnomAD v4.1: 15 of 1,613,334 alleles (0.00093%); highest among the groups gnomAD compares: Admixed American, 0.01%; no homozygotes.

Submission:

Labcorp Genetics (formerly Invitae), Labcorp
Classification: Uncertain significance. Last evaluated: 2022-06-07. Review status: criteria provided, single submitter. Criteria: Invitae Variant Classification Sherloc (09022015). Collection method: clinical testing. Allele origin: germline.
Comment: This sequence change replaces threonine, which is neutral and polar, with isoleucine, which is neutral and non-polar, at codon 314 of the ADSSL1 protein (p.Thr314Ile). This variant is present in population databases (no rsID available, gnomAD 0.01%). This variant has not been reported in the literature in individuals affected with ADSSL1-related conditions. Algorithms developed to predict the effect of missense changes on protein structure and function are either unavailable or do not agree on the potential impact of this missense change (SIFT: "Not Available"; PolyPhen-2: "Probably Damaging"; Align-GVGD: "Not Available"). In summary, the available evidence is currently insufficient to determine the role of this variant in disease. Therefore, it has been classified as a Variant of Uncertain Significance.

NM_152328.5(ADSS1):c.812C>T (p.Thr271Ile)

Gene: ADSS1 (adenylosuccinate synthase 1; plus strand). Cytogenetic location: 14q32.33.
Variant type: single nucleotide variant.
Coding change: c.812C>T on transcript NM_152328.5 (MANE Select); coding-DNA position 812, C replaced by T.
Protein change: p.Thr271Ile; replaces threonine 271 with isoleucine.
Molecular consequence: missense variant.
Genome position (GRCh38, 1-based): chr14:104,741,866, C>T. VCF-style: chr14-104741866-C-T. GRCh37 (hg19) VCF-style: chr14-105208203-C-T.
Other names: c.197C>T, p.Thr66Ile (NM_001320424.1); c.941C>T, p.Thr314Ile (NM_199165.2); short protein forms T314I, T271I, T66I.
Identifiers: ClinVar variation 2111122 (VCV002111122.1), dbSNP rs1412015824, ClinGen allele CA391241934.